The following is an entry in ClinVar:

ClinVar aggregate classification (germline): Conflicting classifications of pathogenicity. Review status: criteria provided, conflicting classifications (1 of 4 stars). 2 submissions from 2 submitters: Uncertain significance (1); Likely benign (1). Last evaluated 2024-04-12.

Conditions:
Hereditary breast ovarian cancer syndrome. Also called: Hereditary breast and ovarian cancer; Hereditary breast and ovarian cancer syndrome (HBOC); Breast and ovarian cancer; Hereditary breast and/or ovarian cancer syndrome; BRCA1- and BRCA2-Associated Hereditary Breast and Ovarian Cancer; Hereditary breast and ovarian cancer syndrome. Identifiers: Orphanet 145, MedGen C0677776, MeSH D061325, MONDO:0003582. Disease mechanism: loss of function.
Breast-ovarian cancer, familial, susceptibility to, 1 (BROVCA1). Also called: BRCA1 Hereditary Breast and Ovarian Cancer; OVARIAN CANCER, SUSCEPTIBILITY TO. Identifiers: Orphanet 145, MedGen C2676676, MONDO:0011450, OMIM 604370. Disease mechanism: loss of function.

Allele frequency attached by ClinVar (database versions not stated): gnomAD 0.00001.

Submissions (3):

Lupski Lab, Baylor-Hopkins CMG, Baylor College of Medicine
Classification: Likely benign for Breast-ovarian cancer, familial, susceptibility to, 1. Last evaluated: 2024-04-12. Review status: criteria provided, single submitter. Criteria: Dawood et al. (medRxiv. 2024). Collection method: curation. Allele origin: germline.
Comment: Each variant was annotated with functional scores from MAVE data which was translated into functional evidence codes. All other evidence codes and combining criteria were adhered to as closely as possible based on the ClinGen VCEP (Variant Curation Expert Panel) gene-specific recommendations. See Supplemental Figure 34 of final paper (Supp Fig. 28 in preprint: doi:10.1101/2024.04.11.24305690) for a table to see which lines of evidence we did not have data for. The ClinGen VCEPs are highly regarded as the gold-standard for gene-specific variant curation and are developed after extensive evaluation of the evidence by clinical and scientific experts for the particular gene to classify genomic variants on a spectrum from pathogenic to benign using the 2015 ACMG/AMP Variant Interpretation Guidelines as a backbone (PMID: 25741868). Reclassification of these VUS variants from gnomAD or All of Us focused only on variants originally prescribed as VUS in ClinVar. To ensure reproducibility, transparency, and increased throughput, all the procedures for annotating variants and assigning evidence codes were codified using Python. All code has been made freely available and is linked in the Code Availability section and all reclassified variants with evidence codes used can be found in Tables S18-19 (preprint: doi:10.1101/2024.04.11.24305690). For the MAVE data, the clinical curation and clinical strength assignment as per the ClinGen recommendations in Brnich et al. (2020) (PMID: 31892348) for or against pathogenicity or benignity of each of these MAVE datasets utilized in this study were previously published in Fayer et al. (2021) (PMID: 34793697).In brief, for BRCA1 variants, if a variant was categorized as FUNC (functional), it was assigned BS3 evidence and no PS3 evidence, whereas if it was categorized as LOF (loss of function), the variant was assigned PS3 evidence and no BS3 evidence. Variants categorized as INT (intermediate) were left unannotated. For the BRCA1 combining criteria, greater than or equal to 1 criteria of strong benign evidence was enough to reclassify the VUS as Likely Benign. This variant GRCh38:17:43063343:A>G was assigned evidence codes ['BS3', 'BP4'] and an overall classification of Likely benign

Labcorp Genetics (formerly Invitae), Labcorp
Classification: Uncertain significance for Hereditary breast ovarian cancer syndrome. Last evaluated: 2022-12-15. Review status: criteria provided, single submitter. Criteria: Invitae Variant Classification Sherloc (09022015). Collection method: clinical testing. Allele origin: germline.
Comment: ClinVar contains an entry for this variant (Variation ID: 867779). This variant has not been reported in the literature in individuals affected with BRCA1-related conditions. This variant is not present in population databases (gnomAD no frequency). This sequence change replaces methionine, which is neutral and non-polar, with threonine, which is neutral and polar, at codon 1728 of the BRCA1 protein (p.Met1728Thr). Advanced modeling performed at Invitae incorporating data from internal and/or published experimental studies (PMID: 30209399) indicates that this missense variant is not expected to disrupt BRCA1 function. In summary, the available evidence is currently insufficient to determine the role of this variant in disease. Therefore, it has been classified as a Variant of Uncertain Significance.

Brotman Baty Institute, University of Washington
No classification provided (evidence only). Condition: Breast-ovarian cancer, familial 1. Review status: no classification provided. Collection method: in vitro. Allele origin: not applicable. Functional consequence: functionally_normal. Not counted in ClinVar's aggregate classification.
ClinVar note: "not provided" was previously submitted as the classification for the variant. However, the classification appeared to be based only on an observation of functional data so it was converted to no classification on 2025-07-30.

Literature cited by the submitters: PubMed 39142283 (cited by Lupski Lab, Baylor-Hopkins CMG, Baylor College of Medicine); PubMed 34793697 (cited by Lupski Lab, Baylor-Hopkins CMG, Baylor College of Medicine); DOI 10.1101/2024.04.11.24305690 (cited by Lupski Lab, Baylor-Hopkins CMG, Baylor College of Medicine); PubMed 30209399 (cited by Labcorp Genetics (formerly Invitae), Labcorp).

NM_007294.4(BRCA1):c.5183T>C (p.Met1728Thr)

Gene: BRCA1 (BRCA1 DNA repair associated; minus strand). Cytogenetic location: 17q21.31.
Variant type: single nucleotide variant.
Coding change: c.5183T>C on transcript NM_007294.4 (MANE Select); coding-DNA position 5183, T replaced by C.
Protein change: p.Met1728Thr; replaces methionine 1728 with threonine.
Molecular consequence: missense variant. On other transcripts: non-coding transcript variant (1).
Genome position (GRCh38, 1-based): chr17:43,063,343, A>G on the plus strand (T>C on the coding strand, the complement: BRCA1 is on the minus strand). VCF-style: chr17-43063343-A-G. GRCh37 (hg19) VCF-style: chr17-41215360-A-G.
Other names: c.4970T>C, p.Met1657Thr (NM_001407571.1, NM_001407900.1, NM_001407902.1 and 12 more transcripts); c.5249T>C, p.Met1750Thr (NM_001407581.1, NM_001407582.1); c.5246T>C, p.Met1749Thr (NM_001407583.1, NM_001407585.1, NM_001407587.1 and 1 more transcripts); c.5180T>C, p.Met1727Thr (NM_001407610.1, NM_001407611.1, NM_001407612.1 and 17 more transcripts); c.5177T>C, p.Met1726Thr (NM_001407629.1, NM_001407630.1, NM_001407631.1 and 14 more transcripts); c.5123T>C, p.Met1708Thr (NM_001407649.1); c.5105T>C, p.Met1702Thr (NM_001407652.1, NM_001407653.1, NM_001407654.1 and 1 more transcripts); c.5102T>C, p.Met1701Thr (NM_001407656.1, NM_001407657.1, NM_001407658.1); and 72 more; short protein forms M1749T, M1728T, M1681T, M624T, M1599T, M1600T, M1638T, M1656T.
Identifiers: ClinVar variation 867779 (VCV000867779.9), dbSNP rs2051858178, ClinGen allele CA10591176.
Genomic context (GRCh38, chr17:43,063,343, plus strand): 5'-TATATGACTGAATGAATATCTCTGGTTAGTTTGTAACATCAAGTACTTACCTCATTCAGC[A>G]TTTTTCTTTCTTTAATAGACTGGGTCACCCCTAAAGAGATCATAGAAAAGACAGGTTACA-3'
Protein context (NP_009225.1, residues 1718-1738): WVTQSIKERK[Met1728Thr]LNEHDFEVRG